The following is an entry in ClinVar:

ClinVar aggregate classification (germline): Uncertain significance. Review status: criteria provided, multiple submitters, no conflicts (2 of 4 stars). 3 submissions from 3 submitters: Uncertain significance (3). Last evaluated 2025-11-26.

Conditions:
Lethal multiple pterygium syndrome (LMPS). Identifiers: Orphanet 33108, MedGen C1854678, MONDO:0009668, OMIM 253290.

Allele frequency attached by ClinVar (database versions not stated): gnomAD 0.00001; gnomAD exomes 0.00001; TOPMed 0.00001; ExAC 0.00002; 1000 Genomes Project 30x 0.00016; 1000 Genomes Project 0.00020.
gnomAD v4.1: 36 of 1,614,056 alleles (0.0022%); highest among the groups gnomAD compares: Middle Eastern, 0.066%; no homozygotes.

Submissions (3):

Women's Health and Genetics/Laboratory Corporation of America, LabCorp
Classification: Uncertain significance. Last evaluated: 2025-11-26. Review status: criteria provided, single submitter. Criteria: LabCorp Variant Classification Summary - May 2015. Collection method: clinical testing. Allele origin: germline.
Comment: Variant summary: CHRNA1 c.580G>A (p.Gly194Arg) results in a non-conservative amino acid change located in the Neurotransmitter-gated ion-channel ligand-binding domain (IPR006202) of the encoded protein sequence. Algorithms developed to predict the effect of missense changes on protein structure and function all suggest that this variant is likely to be disruptive. The variant allele was found at a frequency of 2e-05 in 1607082 control chromosomes. This frequency is not significantly higher than estimated for disease-causing variants in CHRNA1, allowing no conclusion about variant significance. Although, the occurrence in several carriers suggests that the variant is not causal for a dominant, high penetrance, early onset disease phenotype. To our knowledge, no occurrence of c.580G>A in individuals affected with CHRNA1-related conditions and no experimental evidence demonstrating its impact on protein function have been reported. ClinVar contains an entry for this variant (Variation ID: 940940). Based on the evidence outlined above, the variant was classified as uncertain significance.

Labcorp Genetics (formerly Invitae), Labcorp
Classification: Uncertain significance for Lethal multiple pterygium syndrome. Last evaluated: 2024-11-15. Review status: criteria provided, single submitter. Criteria: Invitae Variant Classification Sherloc (09022015). Collection method: clinical testing. Allele origin: germline.
Comment: This sequence change replaces glycine, which is neutral and non-polar, with arginine, which is basic and polar, at codon 194 of the CHRNA1 protein (p.Gly194Arg). This variant is present in population databases (rs201147926, gnomAD 0.007%). This variant has not been reported in the literature in individuals affected with CHRNA1-related conditions. ClinVar contains an entry for this variant (Variation ID: 940940). Invitae Evidence Modeling of protein sequence and biophysical properties (such as structural, functional, and spatial information, amino acid conservation, physicochemical variation, residue mobility, and thermodynamic stability) indicates that this missense variant is not expected to disrupt CHRNA1 protein function with a negative predictive value of 80%. In summary, the available evidence is currently insufficient to determine the role of this variant in disease. Therefore, it has been classified as a Variant of Uncertain Significance.

Revvity Omics, Revvity
Classification: Uncertain significance. Last evaluated: 2021-09-29. Review status: criteria provided, single submitter. Criteria: ACMG Guidelines, 2015. Collection method: clinical testing. Allele origin: germline.

NM_000079.4(CHRNA1):c.580G>A (p.Gly194Arg)

Gene: CHRNA1 (cholinergic receptor nicotinic alpha 1 subunit; minus strand). Cytogenetic location: 2q31.1.
Variant type: single nucleotide variant.
Coding change: c.580G>A on transcript NM_000079.4 (MANE Select); coding-DNA position 580, G replaced by A.
Protein change: p.Gly194Arg; replaces glycine 194 with arginine.
Molecular consequence: missense variant.
Genome position (GRCh38, 1-based): chr2:174,753,701, C>T on the plus strand (G>A on the coding strand, the complement: CHRNA1 is on the minus strand). VCF-style: chr2-174753701-C-T. GRCh37 (hg19) VCF-style: chr2-175618429-C-T.
Other names: c.655G>A, p.Gly219Arg (NM_001039523.3); short protein forms G194R, G219R.
Identifiers: ClinVar variation 940940 (VCV000940940.13), dbSNP rs201147926, ClinGen allele CA1974515.